The following is an entry in ClinVar:

NM_018557.3(LRP1B):c.6655C>T (p.Arg2219Cys)

Gene: LRP1B (LDL receptor related protein 1B; minus strand). Cytogenetic location: 2q22.1.
Variant type: single nucleotide variant.
Coding change: c.6655C>T on transcript NM_018557.3 (MANE Select); coding-DNA position 6655, C replaced by T.
Protein change: p.Arg2219Cys; replaces arginine 2219 with cysteine.
Molecular consequence: missense variant.
Genome position (GRCh38, 1-based): chr2:140,700,394, G>A on the plus strand (C>T on the coding strand, the complement: LRP1B is on the minus strand). VCF-style: chr2-140700394-G-A. GRCh37 (hg19) VCF-style: chr2-141457963-G-A.
Other names: short protein forms R2219C.
Identifiers: ClinVar variation 3038351 (VCV003038351.2), dbSNP rs149097380, ClinGen allele CA1894532.

ClinVar aggregate classification (germline): Likely benign (0 of 4 stars; one submission).

Conditions:
LRP1B-related disorder. Also called: LRP1B-related condition.

Allele frequency attached by ClinVar (database versions not stated): 1000 Genomes Project 0.00060; 1000 Genomes Project 30x 0.00062; gnomAD 0.00097; TOPMed 0.00100; ESP Exome Variant Server 0.00108.
gnomAD v4.1: 2,329 of 1,613,246 alleles (0.14%); highest among the groups gnomAD compares: Non-Finnish European, 0.18%; 4 homozygotes.

Submission:

PreventionGenetics, part of Exact Sciences
Classification: Likely benign for LRP1B-related condition. Last evaluated: 2022-03-21. Review status: no assertion criteria provided. Collection method: clinical testing. Allele origin: germline.
Comment: This variant is classified as likely benign based on ACMG/AMP sequence variant interpretation guidelines (Richards et al. 2015 PMID: 25741868, with internal and published modifications).